The following is an entry in ClinVar:

ClinVar aggregate classification (germline): Uncertain significance (1 of 4 stars; one submission).

Conditions:
Atrial septal defect 5 (ASD5). Identifiers: Orphanet 1478, MedGen C2748552, MONDO:0013011, OMIM 612794.
Hypertrophic cardiomyopathy 11. Also called: ACTC1-Related Familial Hypertrophic Cardiomyopathy. Identifiers: MedGen C2677506, MONDO:0012799, OMIM 612098.
Dilated cardiomyopathy 1R (CMD1R). Identifiers: Orphanet 154, Orphanet 54260, MedGen C3150681, MONDO:0013261, OMIM 613424.

Submission:

Labcorp Genetics (formerly Invitae), Labcorp
Classification: Uncertain significance for Dilated cardiomyopathy 1R; Hypertrophic cardiomyopathy 11; Atrial septal defect 5. Last evaluated: 2021-01-26. Review status: criteria provided, single submitter. Criteria: Invitae Variant Classification Sherloc (09022015). Collection method: clinical testing. Allele origin: germline.
Comment: This variant is not present in population databases (ExAC no frequency). This sequence change replaces glycine with glutamic acid at codon 158 of the ACTC1 protein (p.Gly158Glu). The glycine residue is highly conserved and there is a moderate physicochemical difference between glycine and glutamic acid. This variant has not been reported in the literature in individuals with ACTC1-related conditions. Algorithms developed to predict the effect of missense changes on protein structure and function (SIFT, PolyPhen-2, Align-GVGD) all suggest that this variant is likely to be disruptive, but these predictions have not been confirmed by published functional studies and their clinical significance is uncertain. In summary, the available evidence is currently insufficient to determine the role of this variant in disease. Therefore, it has been classified as a Variant of Uncertain Significance.

NM_005159.5(ACTC1):c.473G>A (p.Gly158Glu)

Genes: GJD2-DT (GJD2 divergent transcript; plus strand), ACTC1 (actin alpha cardiac muscle 1; minus strand). Cytogenetic location: 15q14.
Variant type: single nucleotide variant.
Coding change: c.473G>A on transcript NM_005159.5 (MANE Select); coding-DNA position 473, G replaced by A.
Protein change: p.Gly158Glu; replaces glycine 158 with glutamic acid.
Molecular consequence: missense variant.
Genome position (GRCh38, 1-based): chr15:34,792,551, C>T on the plus strand (G>A on the coding strand, the complement: ACTC1 is on the minus strand). VCF-style: chr15-34792551-C-T. GRCh37 (hg19) VCF-style: chr15-35084752-C-T.
Other names: short protein forms G158E.
Identifiers: ClinVar variation 1437697 (VCV001437697.8), dbSNP rs2140431025, ClinGen allele CA391631151.
Genomic context (GRCh38, chr15:34,792,551, plus strand): 5'-ATGATGGCATGGGGCAAAGCGTAGCCCTCATAGATGGGGACATTGTGAGTTACACCATCC[C>T]CAGAGTCCAGAACAATGCCTGCCCGGGGAAGTAGACAAGAACAAGGTAAATTCCTGAGGA-3'
Protein context (NP_005150.1, residues 148-168): GRTTGIVLDS[Gly158Glu]DGVTHNVPIY